The following is an entry in ClinVar:

ClinVar aggregate classification (germline): Uncertain significance (1 of 4 stars; one submission).

Submission:

Labcorp Genetics (formerly Invitae), Labcorp
Classification: Uncertain significance. Last evaluated: 2024-10-17. Review status: criteria provided, single submitter. Criteria: Invitae Variant Classification Sherloc (09022015). Collection method: clinical testing. Allele origin: germline.
Comment: This sequence change replaces asparagine, which is neutral and polar, with aspartic acid, which is acidic and polar, at codon 320 of the CSF1R protein (p.Asn320Asp). This variant is not present in population databases (gnomAD no frequency). This variant has not been reported in the literature in individuals affected with CSF1R-related conditions. ClinVar contains an entry for this variant (Variation ID: 2111958). Invitae Evidence Modeling of protein sequence and biophysical properties (such as structural, functional, and spatial information, amino acid conservation, physicochemical variation, residue mobility, and thermodynamic stability) indicates that this missense variant is not expected to disrupt CSF1R protein function with a negative predictive value of 95%. In summary, the available evidence is currently insufficient to determine the role of this variant in disease. Therefore, it has been classified as a Variant of Uncertain Significance.

NM_001288705.3(CSF1R):c.958A>G (p.Asn320Asp)

Gene: CSF1R (colony stimulating factor 1 receptor; minus strand). Cytogenetic location: 5q32.
Variant type: single nucleotide variant.
Coding change: c.958A>G on transcript NM_001288705.3 (MANE Select); coding-DNA position 958, A replaced by G.
Protein change: p.Asn320Asp; replaces asparagine 320 with aspartic acid.
Molecular consequence: missense variant. On other transcripts: non-coding transcript variant (2).
Genome position (GRCh38, 1-based): chr5:150,073,425, T>C on the plus strand (A>G on the coding strand, the complement: CSF1R is on the minus strand). VCF-style: chr5-150073425-T-C. GRCh37 (hg19) VCF-style: chr5-149452988-T-C.
Other names: c.958A>G, p.Asn320Asp (NM_001349736.2, NM_001375320.1, NM_005211.4); c.514A>G, p.Asn172Asp (NM_001375321.1); short protein forms N320D, N172D.
Identifiers: ClinVar variation 2111958 (VCV002111958.4), dbSNP rs2481021103, ClinGen allele CA361724882.
Genomic context (GRCh38, chr5:150,073,425, plus strand): 5'-CCAGGTAGGTCCAGTTAAAACCTTGCAGGCCTGGGTAGGCCTCCACCATGACTTTGAGGT[T>C]GAGCCCCTCCCCCACGGTCACCTCCTGGATGAGGTTCTGCTCAGAGCTCAAGTTCAAGTA-3'
Protein context (NP_001275634.1, residues 310-330): IQEVTVGEGL[Asn320Asp]LKVMVEAYPG